The following is an entry in ClinVar:

ClinVar aggregate classification (germline): Uncertain significance (1 of 4 stars; one submission).

Conditions:
IFNLR1-related disorder. Also called: IFNLR1-related condition.

Submission:

PreventionGenetics, part of Exact Sciences
Classification: Uncertain significance for IFNLR1-related condition. Last evaluated: 2026-06-02. Review status: criteria provided, single submitter. Criteria: ACMG Guidelines, 2015. Collection method: clinical testing. Allele origin: germline.
Comment: The IFNLR1 c.282_284delCAA variant is predicted to result in an in-frame deletion (p.Asn94del). This variant has been reported as de novo in a patient with autism (Patient DDD13k.09621; Table S3, Kaplanis et al. 2020. PubMed ID: 33057194; Supplementary Data 3, Zhou et al. 2022. PubMed ID: 35982159). This variant has not been reported in a large population database (gnomAD), indicating this variant is rare. At this time, the clinical significance of this variant is uncertain due to the absence of conclusive functional and genetic evidence.

NM_170743.4(IFNLR1):c.279CAA[1] (p.Asn94del)

Gene: IFNLR1 (interferon lambda receptor 1; minus strand). Cytogenetic location: 1p36.11.
Variant type: Microsatellite.
Coding change: c.279CAA[1] on transcript NM_170743.4 (MANE Select); one copy of the 3-base unit CAA starting at c.279; the reference has two copies in a row; one copy, 3 bases deleted.
Protein change: p.Asn94del; deletes asparagine 94.
Molecular consequence: inframe deletion.
Genome position (GRCh38, 1-based): chr1:24,169,500-24,169,502, TTG deleted on the plus strand (CAA on the coding strand, the reverse complement: IFNLR1 is on the minus strand); deleting any 3 consecutive bases within chr1:24,169,500-24,169,506 gives the same sequence; the position shown is the placement nearest the transcript's 3' end. VCF-style (leftmost placement, unchanged base first): chr1-24169499-CTTG-C. GRCh37 (hg19) VCF-style: chr1-24495989-CTTG-C.
Other names: c.279CAA[1], p.Asn94del (NM_173064.3, NM_173065.3); short protein forms N94del.
Identifiers: ClinVar variation 4983946 (VCV004983946.1).